The following is an entry in ClinVar:

ClinVar aggregate classification (germline): Uncertain significance (1 of 4 stars; one submission).

Conditions:
Primary dilated cardiomyopathy (DCM). Also called: Dilated Cardiomyopathy. Identifiers: Orphanet 217604, MedGen C0007193, MeSH D002311, MONDO:0005021, HP:0001644. Inheritance: Various modes of inheritance.

Allele frequency attached by ClinVar (database versions not stated): gnomAD exomes below 0.00001.
gnomAD v4.1: 2 of 1,608,898 alleles (0.00012%); highest among the groups gnomAD compares: Admixed American, 0.0034%; no homozygotes.

Submission:

All of Us Research Program, National Institutes of Health
Classification: Uncertain significance for Primary dilated cardiomyopathy. Last evaluated: 2023-11-30. Review status: criteria provided, single submitter. Criteria: ACMG Guidelines, 2015. Collection method: clinical testing. Allele origin: germline. Inheritance: Autosomal dominant inheritance. Observed: 1 variant allele, 1 heterozygote.
Comment: This study involves interpretation of variants in research participants for the purpose of population health screening. Participant phenotype was not available at the time of variant classification. Additional details can be found in publication PMID: 35346344, PMCID: PMC8962531

NM_170707.4(LMNA):c.1561G>A (p.Gly521Ser)

Gene: LMNA (lamin A/C; plus strand). Cytogenetic location: 1q22.
Variant type: single nucleotide variant.
Coding change: c.1561G>A on transcript NM_170707.4 (MANE Select); coding-DNA position 1561, G replaced by A.
Protein change: p.Gly521Ser; replaces glycine 521 with serine.
Molecular consequence: missense variant.
Genome position (GRCh38, 1-based): chr1:156,137,185, G>A. VCF-style: chr1-156137185-G-A. GRCh37 (hg19) VCF-style: chr1-156106976-G-A.
Other names: c.1225G>A, p.Gly409Ser (NM_001257374.3, NM_001406989.1, NM_001406998.1); c.1318G>A, p.Gly440Ser (NM_001282624.2, NM_001406986.1, NM_001406987.1); c.1561G>A, p.Gly521Ser (NM_001282625.2, NM_001282626.2, NM_001406983.1 and 6 more transcripts); c.1264G>A, p.Gly422Ser (NM_001406988.1); c.1003G>A, p.Gly335Ser (NM_001406990.1, NM_001406993.1, NM_001406995.1 and 4 more transcripts); c.937G>A, p.Gly313Ser (NM_001406994.1, NM_001406999.1, NM_001407000.1 and 1 more transcripts); short protein forms G313S, G335S, G409S, G422S, G440S, G521S.
Identifiers: ClinVar variation 3073907 (VCV003073907.1), dbSNP rs2528012366, ClinGen allele CA342823362.